The following is an entry in ClinVar:

ClinVar aggregate classification (germline): Conflicting classifications of pathogenicity. Review status: criteria provided, conflicting classifications (1 of 4 stars). 6 submissions from 6 submitters: Uncertain significance (1); Benign (1); Likely benign (2). 2 of the submissions do not count toward it. Last evaluated 2026-01-01.

Conditions:
DNAH5-related disorder. Also called: DNAH5-related condition.
Primary ciliary dyskinesia. Also called: Ciliary dyskinesia. Identifiers: Orphanet 244, MedGen C0008780, MONDO:0016575, HP:0012265.
Primary ciliary dyskinesia 3. Identifiers: Orphanet 244, MedGen C1837618, MONDO:0012085, OMIM 608644.

Allele frequency attached by ClinVar (database versions not stated): gnomAD below 0.00001 and 0.00018; TOPMed 0.00003; gnomAD exomes 0.00092; 1000 Genomes Project 30x 0.00125; 1000 Genomes Project 0.00160; ExAC 0.00344.
gnomAD v4.1: 465 of 1,548,946 alleles (0.03%); highest among the groups gnomAD compares: South Asian, 0.54%; 11 homozygotes.

Submissions (6):

Labcorp Genetics (formerly Invitae), Labcorp
Classification: Benign for Primary ciliary dyskinesia. Last evaluated: 2026-01-01. Review status: criteria provided, single submitter. Criteria: Invitae Variant Classification Sherloc (09022015). Collection method: clinical testing. Allele origin: germline.

Blueprint Genetics
Classification: Likely benign. Last evaluated: 2024-09-07. Review status: criteria provided, single submitter. Criteria: ACMG Guidelines, 2015. Collection method: clinical testing. Allele origin: germline.

Ambry Genetics
Classification: Likely benign for Primary ciliary dyskinesia. Last evaluated: 2022-01-17. Review status: criteria provided, single submitter. Criteria: Ambry Variant Classification Scheme 2023. Collection method: clinical testing. Allele origin: germline.

Illumina Laboratory Services, Illumina
Classification: Uncertain significance for Primary ciliary dyskinesia 3. Last evaluated: 2018-01-12. Review status: criteria provided, single submitter. Criteria: ICSL Variant Classification Criteria 13 December 2019. Collection method: clinical testing. Allele origin: germline.

PreventionGenetics, part of Exact Sciences
Classification: Likely benign for DNAH5-related condition. Last evaluated: 2020-06-11. Review status: no assertion criteria provided. Collection method: clinical testing. Allele origin: germline. Not counted in ClinVar's aggregate classification.
Comment: This variant is classified as likely benign based on ACMG/AMP sequence variant interpretation guidelines (Richards et al. 2015 PMID: 25741868, with internal and published modifications).

Natera, Inc.
Classification: Uncertain significance for Primary ciliary dyskinesia. Last evaluated: 2020-04-03. Review status: no assertion criteria provided. Collection method: clinical testing. Allele origin: germline. Not counted in ClinVar's aggregate classification.

NM_001369.3(DNAH5):c.7525C>T (p.Arg2509Cys)

Gene: DNAH5 (dynein axonemal heavy chain 5; minus strand). Cytogenetic location: 5p15.2.
Variant type: single nucleotide variant.
Coding change: c.7525C>T on transcript NM_001369.3 (MANE Select); coding-DNA position 7525, C replaced by T.
Protein change: p.Arg2509Cys; replaces arginine 2509 with cysteine.
Molecular consequence: missense variant.
Genome position (GRCh38, 1-based): chr5:13,810,143, G>A on the plus strand (C>T on the coding strand, the complement: DNAH5 is on the minus strand). VCF-style: chr5-13810143-G-A. GRCh37 (hg19) VCF-style: chr5-13810252-G-A.
Other names: short protein forms R2509C.
Identifiers: ClinVar variation 695837 (VCV000695837.21), dbSNP rs531393117, ClinGen allele CA3203078.